The following is an entry in ClinVar:

ClinVar aggregate classification (germline): Uncertain significance (1 of 4 stars; one submission).

Submission:

Labcorp Genetics (formerly Invitae), Labcorp
Classification: Uncertain significance. Last evaluated: 2024-07-22. Review status: criteria provided, single submitter. Criteria: Invitae Variant Classification Sherloc (09022015). Collection method: clinical testing. Allele origin: germline.
Comment: This sequence change replaces glutamine, which is neutral and polar, with glutamic acid, which is acidic and polar, at codon 2228 of the FRAS1 protein (p.Gln2228Glu). This variant is not present in population databases (gnomAD no frequency). This variant has not been reported in the literature in individuals affected with FRAS1-related conditions. ClinVar contains an entry for this variant (Variation ID: 2116259). Advanced modeling of protein sequence and biophysical properties (such as structural, functional, and spatial information, amino acid conservation, physicochemical variation, residue mobility, and thermodynamic stability) performed at Invitae indicates that this missense variant is expected to disrupt FRAS1 protein function with a positive predictive value of 80%. In summary, the available evidence is currently insufficient to determine the role of this variant in disease. Therefore, it has been classified as a Variant of Uncertain Significance.

NM_025074.7(FRAS1):c.6682C>G (p.Gln2228Glu)

Gene: FRAS1 (Fraser extracellular matrix complex subunit 1; plus strand). Cytogenetic location: 4q21.21.
Variant type: single nucleotide variant.
Coding change: c.6682C>G on transcript NM_025074.7 (MANE Select); coding-DNA position 6682, C replaced by G.
Protein change: p.Gln2228Glu; replaces glutamine 2228 with glutamic acid.
Molecular consequence: missense variant.
Genome position (GRCh38, 1-based): chr4:78,452,273, C>G. VCF-style: chr4-78452273-C-G. GRCh37 (hg19) VCF-style: chr4-79373427-C-G.
Other names: short protein forms Q2228E.
Identifiers: ClinVar variation 2116259 (VCV002116259.4), dbSNP rs1578333270, ClinGen allele CA357396745.
Genomic context (GRCh38, chr4:78,452,273, plus strand): 5'-CTGGTCTTGGATGAAAACTCAGTGAAGAAAATCACCACCCTGCAGCTGTCTGCCACTGAC[C>G]AGGACAGTGGGCCTACAGAATTGATCTACAGAATCACCAGACAGCCCCAGCTGGGCCACT-3'
Protein context (NP_079350.5, residues 2218-2238): ITTLQLSATD[Gln2228Glu]DSGPTELIYR